The following is an entry in ClinVar:

ClinVar aggregate classification (germline): Uncertain significance (1 of 4 stars; one submission).

Conditions:
Cardiovascular phenotype. Identifiers: MedGen CN230736.

gnomAD v4.1: 2 of 1,513,286 alleles (0.00013%); highest among the groups gnomAD compares: Non-Finnish European, 0.00018%; no homozygotes.

Submission:

Ambry Genetics
Classification: Uncertain significance for Cardiovascular phenotype. Last evaluated: 2025-06-10. Review status: criteria provided, single submitter. Criteria: Ambry Variant Classification Scheme 2023. Collection method: clinical testing. Allele origin: germline.
Comment: The p.I324N variant (also known as c.971T>A), located in coding exon 12 of the TECRL gene, results from a T to A substitution at nucleotide position 971. The isoleucine at codon 324 is replaced by asparagine, an amino acid with dissimilar properties. This amino acid position is conserved. In addition, this alteration is predicted to be deleterious by in silico analysis. Based on the available evidence, the clinical significance of this variant remains unclear.

NM_001010874.5(TECRL):c.971T>A (p.Ile324Asn)

Gene: TECRL (trans-2,3-enoyl-CoA reductase like; minus strand). Cytogenetic location: 4q13.1.
Variant type: single nucleotide variant.
Coding change: c.971T>A on transcript NM_001010874.5 (MANE Select); coding-DNA position 971, T replaced by A.
Protein change: p.Ile324Asn; replaces isoleucine 324 with asparagine.
Molecular consequence: missense variant. On other transcripts: intron variant (1).
Genome position (GRCh38, 1-based): chr4:64,280,193, A>T on the plus strand (T>A on the coding strand, the complement: TECRL is on the minus strand). VCF-style: chr4-64280193-A-T. GRCh37 (hg19) VCF-style: chr4-65145911-A-T.
Other names: c.964+848T>A (NM_001363796.1); short protein forms I324N.
Identifiers: ClinVar variation 3966925 (VCV003966925.1).
Genomic context (GRCh38, chr4:64,280,193, plus strand): 5'-TAAATCTTATGTTTCTTTTGTGCCCACAAAGACATCTGGATACTCATCAGAAGTGTAAAA[A>T]TTCCAACTAGAAGAAAAAAGAAATAATTATTATTTCTTTCTTATTTCTATGAAATGTTAT-3'
Protein context (NP_001010874.2, residues 314-334): TVMTQTLPVG[Ile324Asn]FTLLMSIQMS